The following is an entry in ClinVar:

NM_006206.6(PDGFRA):c.*2559G>A

Gene: PDGFRA (platelet derived growth factor receptor alpha; plus strand). Cytogenetic location: 4q12.
Variant type: single nucleotide variant.
Coding change: c.*2559G>A on transcript NM_006206.6 (MANE Select); 2559 bases downstream of the stop codon, G replaced by A.
Molecular consequence: 3 prime UTR variant.
Genome position (GRCh38, 1-based): chr4:54,297,831, G>A. VCF-style: chr4-54297831-G-A. GRCh37 (hg19) VCF-style: chr4-55163998-G-A.
Other names: c.*2559G>A (NM_001347828.2, NM_001347829.2, NM_001347830.2).
Identifiers: ClinVar variation 348949 (VCV000348949.6), dbSNP rs138584193, ClinGen allele CA10621207.

ClinVar aggregate classification (germline): Benign. Review status: criteria provided, multiple submitters, no conflicts (2 of 4 stars). 3 submissions from 2 submitters: Benign (3). Last evaluated 2018-01-12.

Conditions:
Gastrointestinal stromal tumor. Also called: Gastrointestinal stromal tumor, somatic; Gastrointestinal stroma tumor. Identifiers: Orphanet 44890, MedGen C0238198, MeSH D046152, MONDO:0011719, OMIM 606764, HP:0100723.
Idiopathic hypereosinophilic syndrome (HES). Identifiers: Orphanet 3260, MedGen C0206141, MONDO:0011895, OMIM 607685. Disease mechanism: gain of function.

Allele frequency attached by ClinVar (database versions not stated): gnomAD exomes 0.00220; gnomAD 0.00500 and 0.00503; 1000 Genomes Project 0.00559; 1000 Genomes Project 30x 0.00609; TOPMed 0.00756.
gnomAD v4.1: 935 of 233,590 alleles (0.4%); highest among the groups gnomAD compares: Admixed American, 4.7%; 24 homozygotes.

Submissions (3):

Illumina Laboratory Services, Illumina
Classification: Benign for Gastrointestinal stromal tumor. Last evaluated: 2018-01-12. Review status: criteria provided, single submitter. Criteria: ICSL Variant Classification Criteria 13 December 2019. Collection method: clinical testing. Allele origin: germline.
Comment: This variant was observed in the ICSL laboratory as part of a predisposition screen in an ostensibly healthy population. It had not been previously curated by ICSL or reported in the Human Gene Mutation Database (HGMD: prior to June 1st, 2018), and was therefore a candidate for classification through an automated scoring system. Utilizing variant allele frequency, disease prevalence and penetrance estimates, and inheritance mode, an automated score was calculated to assess if this variant is too frequent to cause the disease. Based on the score and internal cut-off values, a variant classified as benign is not then subjected to further curation. The score for this variant resulted in a classification of benign for this disease.

Illumina Laboratory Services, Illumina
Classification: Benign for Idiopathic hypereosinophilic syndrome. Last evaluated: 2018-01-12. Review status: criteria provided, single submitter. Criteria: ICSL Variant Classification Criteria 13 December 2019. Collection method: clinical testing. Allele origin: germline.
Comment: the same text as in the submission from Illumina Laboratory Services, Illumina above.

Breakthrough Genomics
Classification: Benign. Review status: criteria provided, single submitter. Criteria: ACMG Guidelines, 2015. Collection method: not provided. Allele origin: germline. Inheritance: Autosomal dominant inheritance. Affected: yes.